The following is an entry in ClinVar:

ClinVar aggregate classification (germline): Uncertain significance. Review status: criteria provided, multiple submitters, no conflicts (2 of 4 stars). 2 submissions from 2 submitters: Uncertain significance (2). Last evaluated 2025-10-10.

Conditions:
Hereditary cancer-predisposing syndrome. Also called: Neoplastic Syndromes, Hereditary; Tumor predisposition; Hereditary neoplastic syndrome; Hereditary Cancer Syndrome. Identifiers: Orphanet 140162, MedGen C0027672, MeSH D009386, MONDO:0015356.
Peutz-Jeghers syndrome (PJS). Also called: Peutz-Jeghers polyposis; Periorificial lentiginosis syndrome; POLYPOSIS, HAMARTOMATOUS INTESTINAL; POLYPS-AND-SPOTS SYNDROME. Identifiers: Orphanet 2869, MedGen C0031269, MeSH D010580, MONDO:0008280, OMIM 175200.

Submissions (2):

Ambry Genetics
Classification: Uncertain significance for Hereditary cancer-predisposing syndrome. Last evaluated: 2025-10-10. Review status: criteria provided, single submitter. Criteria: Ambry Variant Classification Scheme 2023. Collection method: clinical testing. Allele origin: germline.
Comment: The p.C73Y variant (also known as c.218G>A), located in coding exon 1 of the STK11 gene, results from a G to A substitution at nucleotide position 218. The cysteine at codon 73 is replaced by tyrosine, an amino acid with highly dissimilar properties. This amino acid position is conserved. In addition, this alteration is predicted to be deleterious by in silico analysis. Based on the available evidence, the clinical significance of this variant remains unclear.

Labcorp Genetics (formerly Invitae), Labcorp
Classification: Uncertain significance for Peutz-Jeghers syndrome. Last evaluated: 2023-12-01. Review status: criteria provided, single submitter. Criteria: Invitae Variant Classification Sherloc (09022015). Collection method: clinical testing. Allele origin: germline.
Comment: This sequence change replaces cysteine, which is neutral and slightly polar, with tyrosine, which is neutral and polar, at codon 73 of the STK11 protein (p.Cys73Tyr). This variant is not present in population databases (gnomAD no frequency). This variant has not been reported in the literature in individuals affected with STK11-related conditions. ClinVar contains an entry for this variant (Variation ID: 1491271). Advanced modeling of protein sequence and biophysical properties (such as structural, functional, and spatial information, amino acid conservation, physicochemical variation, residue mobility, and thermodynamic stability) performed at Invitae indicates that this missense variant is expected to disrupt STK11 protein function with a positive predictive value of 80%. In summary, the available evidence is currently insufficient to determine the role of this variant in disease. Therefore, it has been classified as a Variant of Uncertain Significance.

NM_000455.5(STK11):c.218G>A (p.Cys73Tyr)

Gene: STK11 (serine/threonine kinase 11; plus strand). Cytogenetic location: 19p13.3.
Variant type: single nucleotide variant.
Coding change: c.218G>A on transcript NM_000455.5 (MANE Select); coding-DNA position 218, G replaced by A.
Protein change: p.Cys73Tyr; replaces cysteine 73 with tyrosine.
Molecular consequence: missense variant.
Genome position (GRCh38, 1-based): chr19:1,207,131, G>A. VCF-style: chr19-1207131-G-A. GRCh37 (hg19) VCF-style: chr19-1207130-G-A.
Other names: short protein forms C73Y.
Identifiers: ClinVar variation 1491271 (VCV001491271.11), dbSNP rs2145405592, ClinGen allele CA089275.
Genomic context (GRCh38, chr19:1,207,131, plus strand): 5'-ACCTGCTGGGGGAAGGCTCTTACGGCAAGGTGAAGGAGGTGCTGGACTCGGAGACGCTGT[G>A]CAGGAGGGCCGTCAAGATCCTCAAGAAGAAGAAGTTGCGAAGGATCCCCAACGGGGAGGC-3'
Protein context (NP_000446.1, residues 63-83): VKEVLDSETL[Cys73Tyr]RRAVKILKKK